The following is an entry in ClinVar:

NM_001165963.4(SCN1A):c.4338+1G>C

Genes: SCN1A (sodium voltage-gated channel alpha subunit 1; minus strand), LOC102724058 (uncharacterized LOC102724058; plus strand). Cytogenetic location: 2q24.3.
Variant type: single nucleotide variant.
Coding change: c.4338+1G>C on transcript NM_001165963.4 (MANE Select); the canonical splice donor site of the intron after coding-DNA position 4338, G replaced by C.
Molecular consequence: splice donor variant.
Genome position (GRCh38, 1-based): chr2:165,999,722, C>G on the plus strand (G>C on the coding strand, the complement: SCN1A is on the minus strand). VCF-style: chr2-165999722-C-G. GRCh37 (hg19) VCF-style: chr2-166856232-C-G.
Other names: c.4305+1G>C (NM_001353949.2, NM_001353950.2, NM_001353951.2 and 2 more transcripts); c.4254+1G>C (NM_001353958.2, NM_001353957.2, NM_001165964.3); c.4338+1G>C (NM_001202435.3, NM_001353948.2); c.4302+1G>C (NM_001353955.2, NM_001353954.2); c.4251+1G>C (NM_001353960.2); c.1896+1G>C (NM_001353961.2).
Identifiers: ClinVar variation 588706 (VCV000588706.6), dbSNP rs1553523138, ClinGen allele CA349049525.
Genomic context (GRCh38, chr2:165,999,722, plus strand): 5'-TCGATTAATTTTACCACCTGATCAATATTGTAAAAAGACTTAGAATACAAGGAATACTTA[C>G]ATTTCTGGAATCAACTGCTGCATACATTATATCCATCCATCCTTTGAATGTGGCCTATTA-3'

ClinVar aggregate classification (germline): Pathogenic. Review status: criteria provided, multiple submitters, no conflicts (2 of 4 stars). 2 submissions from 2 submitters: Pathogenic (2). Last evaluated 2025-08-04.

Conditions:
Severe myoclonic epilepsy in infancy (DRVT). Also called: Epileptic encephalopathy, early infantile, 6 (Dravet syndrome); SEVERE MYOCLONIC EPILEPSY OF INFANCY; Dravet syndrome; DEVELOPMENTAL AND EPILEPTIC ENCEPHALOPATHY 6A; Severe Myoclonic Epilepsy in Infancy (SMEI). Identifiers: Orphanet 33069, MedGen C0751122, MONDO:0100135, OMIM 607208.
Inborn genetic diseases. Identifiers: MedGen C0950123, MeSH D030342.

Submissions (2):

3billion
Classification: Pathogenic for Severe myoclonic epilepsy in infancy. Last evaluated: 2025-08-04. Review status: criteria provided, single submitter. Criteria: ACMG Guidelines, 2015. Collection method: clinical testing. Allele origin: germline. Affected: yes.
Comment: The variant is not observed in the gnomAD v4.1.0 dataset. Predicted Consequence/Location: Canonical splice site: predicted to alter splicing and result in a loss or disruption of normal protein function. Multiple pathogenic loss-of-function variants are reported downstream of the variant. In silico tools predict the variant to alter splicing and produce an abnormal transcript [SpliceAI: 0.99 (spliceogenicity >=0.2, non-spliceogenicity <0.1)]. The variant has been reported to be associated with SCN1A-related disorder (ClinVar ID: VCV000588706). Therefore, this variant is classified as Pathogenic according to the recommendation of ACMG/AMP guideline.

Ambry Genetics
Classification: Pathogenic for Inborn genetic diseases. Last evaluated: 2017-01-24. Review status: criteria provided, single submitter. Criteria: Ambry Variant Classification Scheme 2023. Collection method: clinical testing. Allele origin: germline.
Comment: The c.4338+1G>C intronic pathogenic mutation results from a G to C substitution one nucleotide after coding exon 22 of the SCN1A gene. A different alteration located at the same position, c.4338+1G>A, has been detected as a de novo occurrence (with confirmed paternity) in two individuals with clinical diagnoses of severe myoclonic epilepsy of infancy (SMEI) (Claes L et al. Am. J. Hum. Genet., 2001 Jun;68:1327-32). (Claes L et al. Hum. Mutat., 2003 Jun;21:615-21). In addition to the clinical data presented in the literature, alterations that disrupt the canonical splice site are expected to cause aberrant splicing, resulting in an abnormal protein or a transcript that is subject to nonsense-mediated mRNA decay. As such, this alteration is classified as a disease-causing mutation.